The following is an entry in ClinVar:

ClinVar aggregate classification (germline): Uncertain significance (1 of 4 stars; one submission).

Allele frequency attached by ClinVar (database versions not stated): gnomAD exomes below 0.00001.
gnomAD v4.1: 1 of 1,614,030 alleles (0.000062%); highest among the groups gnomAD compares: Admixed American, 0.0017%; no homozygotes.

Submission:

Labcorp Genetics (formerly Invitae), Labcorp
Classification: Uncertain significance. Last evaluated: 2022-09-13. Review status: criteria provided, single submitter. Criteria: Invitae Variant Classification Sherloc (09022015). Collection method: clinical testing. Allele origin: germline.
Comment: ClinVar contains an entry for this variant (Variation ID: 1393868). This variant has not been reported in the literature in individuals affected with GRM6-related conditions. This variant is present in population databases (no rsID available, gnomAD 0.003%). This sequence change replaces glycine, which is neutral and non-polar, with aspartic acid, which is acidic and polar, at codon 870 of the GRM6 protein (p.Gly870Asp). In summary, the available evidence is currently insufficient to determine the role of this variant in disease. Therefore, it has been classified as a Variant of Uncertain Significance. Advanced modeling of protein sequence and biophysical properties (such as structural, functional, and spatial information, amino acid conservation, physicochemical variation, residue mobility, and thermodynamic stability) performed at Invitae indicates that this missense variant is not expected to disrupt GRM6 protein function.

NM_000843.4(GRM6):c.2609G>A (p.Gly870Asp)

Genes: GRM6 (glutamate metabotropic receptor 6; minus strand), ZNF454 (zinc finger protein 454; plus strand). Cytogenetic location: 5q35.3.
Variant type: single nucleotide variant.
Coding change: c.2609G>A on transcript NM_000843.4 (MANE Select); coding-DNA position 2609, G replaced by A.
Protein change: p.Gly870Asp; replaces glycine 870 with aspartic acid.
Molecular consequence: missense variant.
Genome position (GRCh38, 1-based): chr5:178,981,682, C>T on the plus strand (G>A on the coding strand, the complement: GRM6 is on the minus strand). VCF-style: chr5-178981682-C-T. GRCh37 (hg19) VCF-style: chr5-178408683-C-T.
Other names: short protein forms G870D.
Identifiers: ClinVar variation 1393868 (VCV001393868.6), dbSNP rs1290306808, ClinGen allele CA362422606.